The following is an entry in ClinVar:

NM_032380.5(GFM2):c.1428G>C (p.Glu476Asp)

Gene: GFM2 (GTP dependent ribosome recycling factor mitochondrial 2; minus strand). Cytogenetic location: 5q13.3.
Variant type: single nucleotide variant.
Coding change: c.1428G>C on transcript NM_032380.5 (MANE Select); coding-DNA position 1428, G replaced by C.
Protein change: p.Glu476Asp; replaces glutamic acid 476 with aspartic acid.
Molecular consequence: missense variant. On other transcripts: non-coding transcript variant (1).
Genome position (GRCh38, 1-based): chr5:74,736,878, C>G on the plus strand (G>C on the coding strand, the complement: GFM2 is on the minus strand). VCF-style: chr5-74736878-C-G. GRCh37 (hg19) VCF-style: chr5-74032703-C-G.
Other names: c.1524G>C, p.Glu508Asp (NM_001281302.2); c.1428G>C, p.Glu476Asp (NM_170681.3); c.1287G>C, p.Glu429Asp (NM_170691.3); c.1428G>C (NM_032380.3); short protein forms E476D, E508D, E429D.
Identifiers: ClinVar variation 1938507 (VCV001938507.6), dbSNP rs2478868062, ClinGen allele CA360079298.

ClinVar aggregate classification (germline): Conflicting classifications of pathogenicity. Review status: criteria provided, conflicting classifications (1 of 4 stars). 2 submissions from 2 submitters: Uncertain significance (1); Likely benign (1). Last evaluated 2024-05-08.

Conditions:
Inborn genetic diseases. Identifiers: MedGen C0950123, MeSH D030342.

Submissions (2):

Ambry Genetics
Classification: Likely benign for Inborn genetic diseases. Last evaluated: 2024-05-08. Review status: criteria provided, single submitter. Criteria: Ambry Variant Classification Scheme 2023. Collection method: clinical testing. Allele origin: germline.

Labcorp Genetics (formerly Invitae), Labcorp
Classification: Uncertain significance. Last evaluated: 2022-08-08. Review status: criteria provided, single submitter. Criteria: Invitae Variant Classification Sherloc (09022015). Collection method: clinical testing. Allele origin: germline.
Comment: This sequence change replaces glutamic acid, which is acidic and polar, with aspartic acid, which is acidic and polar, at codon 476 of the GFM2 protein (p.Glu476Asp). This variant is not present in population databases (gnomAD no frequency). This variant has not been reported in the literature in individuals affected with GFM2-related conditions. Algorithms developed to predict the effect of missense changes on protein structure and function output the following: SIFT: "Tolerated"; PolyPhen-2: "Benign"; Align-GVGD: "Class C0". The aspartic acid amino acid residue is found in multiple mammalian species, which suggests that this missense change does not adversely affect protein function. In summary, the available evidence is currently insufficient to determine the role of this variant in disease. Therefore, it has been classified as a Variant of Uncertain Significance.